The following is an entry in ClinVar:

NM_024596.5(MCPH1):c.2215-15C>G

Genes: MCPH1-AS1 (MCPH1 antisense RNA 1; minus strand), MCPH1 (microcephalin 1; plus strand). Cytogenetic location: 8p23.1.
Variant type: single nucleotide variant.
Coding change: c.2215-15C>G on transcript NM_024596.5 (MANE Select); 15 bases into the intron before coding-DNA position 2215, C replaced by G.
Molecular consequence: intron variant. On other transcripts: non-coding transcript variant (1).
Genome position (GRCh38, 1-based): chr8:6,621,439, C>G. VCF-style: chr8-6621439-C-G. GRCh37 (hg19) VCF-style: chr8-6478960-C-G.
Other names: c.2215-15C>G (NM_001322042.2, NM_001363979.1); c.1936-15C>G (NM_001363980.2).
Identifiers: ClinVar variation 158842 (VCV000158842.29), dbSNP rs11137040, ClinGen allele CA172513.

ClinVar aggregate classification (germline): Benign. Review status: criteria provided, multiple submitters, no conflicts (2 of 4 stars). 9 submissions from 9 submitters: Benign (7). 2 of the submissions do not count toward it. Last evaluated 2026-04-27.

Conditions:
Microcephaly 1, primary, autosomal recessive (MCPH1). Also called: PREMATURE CHROMOSOME CONDENSATION SYNDROME; PCC SYNDROME; PREMATURE CHROMOSOME CONDENSATION WITH MICROCEPHALY AND MENTAL RETARDATION. Identifiers: Orphanet 2512, MedGen C1855081, MONDO:0009617, OMIM 251200.

Allele frequency attached by ClinVar (database versions not stated): 1000 Genomes Project 30x 0.20159; 1000 Genomes Project 0.20308; ExAC 0.24817; TOPMed 0.25269; gnomAD 0.25985 and 0.26204; ESP Exome Variant Server 0.26245.
gnomAD v4.1: 447,641 of 1,606,776 alleles (28%); highest among the groups gnomAD compares: Middle Eastern, 33%; 64,589 homozygotes.

Submissions (27):

Women's Health and Genetics/Laboratory Corporation of America, LabCorp
Classification: Benign. Last evaluated: 2026-04-27. Review status: criteria provided, single submitter. Criteria: LabCorp Variant Classification Summary - May 2015. Collection method: clinical testing. Allele origin: germline.

Labcorp Genetics (formerly Invitae), Labcorp
Classification: Benign. Last evaluated: 2026-02-04. Review status: criteria provided, single submitter. Criteria: Invitae Variant Classification Sherloc (09022015). Collection method: clinical testing. Allele origin: germline.

Illumina Laboratory Services, Illumina
Classification: Benign for Microcephaly 1, primary, autosomal recessive. Last evaluated: 2018-01-13. Review status: criteria provided, single submitter. Criteria: ICSL Variant Classification Criteria 13 December 2019. Collection method: clinical testing. Allele origin: germline.
Comment: This variant was observed in the ICSL laboratory as part of a predisposition screen in an ostensibly healthy population. It had not been previously curated by ICSL or reported in the Human Gene Mutation Database (HGMD: prior to June 1st, 2018), and was therefore a candidate for classification through an automated scoring system. Utilizing variant allele frequency, disease prevalence and penetrance estimates, and inheritance mode, an automated score was calculated to assess if this variant is too frequent to cause the disease. Based on the score and internal cut-off values, a variant classified as benign is not then subjected to further curation. The score for this variant resulted in a classification of benign for this disease.

GeneDx
Classification: Benign. Last evaluated: 2015-03-03. Review status: criteria provided, single submitter. Criteria: GeneDx Variant Classification Process June 2021. Collection method: clinical testing. Allele origin: germline. Affected: yes.

Eurofins Ntd Llc (ga)
Classification: Benign. Last evaluated: 2014-04-10. Review status: criteria provided, single submitter. Criteria: EGL Classification Definitions 2015. Collection method: clinical testing. Allele origin: germline. Observed: 3 variant alleles, 3 heterozygotes.

Genetic Services Laboratory, University of Chicago
Classification: Benign. Last evaluated: 2013-02-08. Review status: criteria provided, single submitter. Criteria: ACMG Guidelines, 2007. Collection method: clinical testing. Allele origin: germline. Inheritance: Autosomal recessive inheritance.

Breakthrough Genomics
Classification: Benign. Review status: criteria provided, single submitter. Criteria: ACMG Guidelines, 2015. Collection method: not provided. Allele origin: germline. Inheritance: Autosomal recessive inheritance. Affected: yes.

Clinical Genetics DNA and cytogenetics Diagnostics Lab, Erasmus MC, Erasmus Medical Center
Classification: Benign. Review status: no assertion criteria provided. Collection method: clinical testing. Allele origin: germline. Affected: yes. Study: VKGL Data-share Consensus. Not counted in ClinVar's aggregate classification.

Dr. Peter K. Rogan Lab, Western University
No classification provided (evidence only). Condition: Malignant lymphoma, large B-cell, diffuse. Review status: no classification provided. Collection method: in vitro. Allele origin: not applicable. Functional consequence: retained intron. Not counted in ClinVar's aggregate classification.

Dr. Peter K. Rogan Lab, Western University
No classification provided (evidence only). Condition: Malignant lymphoma, large B-cell, diffuse. Review status: no classification provided. Collection method: in vitro. Allele origin: not applicable. Functional consequence: skipped exon. Not counted in ClinVar's aggregate classification.

Dr. Peter K. Rogan Lab, Western University
No classification provided (evidence only). Condition: Malignant lymphoma, large B-cell, diffuse. Review status: no classification provided. Collection method: in vitro. Allele origin: not applicable. Functional consequence: skipped exon. Not counted in ClinVar's aggregate classification.

Dr. Peter K. Rogan Lab, Western University
No classification provided (evidence only). Condition: Uterine carcinosarcoma. Review status: no classification provided. Collection method: in vitro. Allele origin: not applicable. Functional consequence: skipped exon. Not counted in ClinVar's aggregate classification.

Dr. Peter K. Rogan Lab, Western University
No classification provided (evidence only). Condition: Uterine carcinosarcoma. Review status: no classification provided. Collection method: in vitro. Allele origin: not applicable. Functional consequence: retained intron. Not counted in ClinVar's aggregate classification.

Dr. Peter K. Rogan Lab, Western University
No classification provided (evidence only). Condition: Uterine carcinosarcoma. Review status: no classification provided. Collection method: in vitro. Allele origin: not applicable. Functional consequence: skipped exon. Not counted in ClinVar's aggregate classification.

Dr. Peter K. Rogan Lab, Western University
No classification provided (evidence only). Condition: Uterine carcinosarcoma. Review status: no classification provided. Collection method: in vitro. Allele origin: not applicable. Functional consequence: retained intron. Not counted in ClinVar's aggregate classification.

Dr. Peter K. Rogan Lab, Western University
No classification provided (evidence only). Condition: Uterine carcinosarcoma. Review status: no classification provided. Collection method: in vitro. Allele origin: not applicable. Functional consequence: skipped exon. Not counted in ClinVar's aggregate classification.

Dr. Peter K. Rogan Lab, Western University
No classification provided (evidence only). Condition: Uterine carcinosarcoma. Review status: no classification provided. Collection method: in vitro. Allele origin: not applicable. Functional consequence: skipped exon. Not counted in ClinVar's aggregate classification.

Dr. Peter K. Rogan Lab, Western University
No classification provided (evidence only). Condition: Uterine carcinosarcoma. Review status: no classification provided. Collection method: in vitro. Allele origin: not applicable. Functional consequence: retained intron. Not counted in ClinVar's aggregate classification.

Dr. Peter K. Rogan Lab, Western University
No classification provided (evidence only). Condition: Uterine carcinosarcoma. Review status: no classification provided. Collection method: in vitro. Allele origin: not applicable. Functional consequence: skipped exon, retained intron. Not counted in ClinVar's aggregate classification.

Dr. Peter K. Rogan Lab, Western University
No classification provided (evidence only). Condition: Uterine carcinosarcoma. Review status: no classification provided. Collection method: in vitro. Allele origin: not applicable. Functional consequence: retained intron. Not counted in ClinVar's aggregate classification.

Dr. Peter K. Rogan Lab, Western University
No classification provided (evidence only). Condition: Hepatocellular carcinoma. Review status: no classification provided. Collection method: in vitro. Allele origin: not applicable. Functional consequence: retained intron. Not counted in ClinVar's aggregate classification.

Dr. Peter K. Rogan Lab, Western University
No classification provided (evidence only). Condition: Hepatocellular carcinoma. Review status: no classification provided. Collection method: in vitro. Allele origin: not applicable. Functional consequence: skipped exon. Not counted in ClinVar's aggregate classification.

Dr. Peter K. Rogan Lab, Western University
No classification provided (evidence only). Condition: Hepatocellular carcinoma. Review status: no classification provided. Collection method: in vitro. Allele origin: not applicable. Functional consequence: skipped exon. Not counted in ClinVar's aggregate classification.

Dr. Peter K. Rogan Lab, Western University
No classification provided (evidence only). Condition: Hepatocellular carcinoma. Review status: no classification provided. Collection method: in vitro. Allele origin: not applicable. Functional consequence: retained intron. Not counted in ClinVar's aggregate classification.

Dr. Peter K. Rogan Lab, Western University
No classification provided (evidence only). Condition: Hepatocellular carcinoma. Review status: no classification provided. Collection method: in vitro. Allele origin: not applicable. Functional consequence: skipped exon. Not counted in ClinVar's aggregate classification.

Dr. Peter K. Rogan Lab, Western University
No classification provided (evidence only). Condition: Hepatocellular carcinoma. Review status: no classification provided. Collection method: in vitro. Allele origin: not applicable. Functional consequence: retained intron. Not counted in ClinVar's aggregate classification.

Joint Genome Diagnostic Labs from Nijmegen and Maastricht, Radboudumc and MUMC+
Classification: Benign. Review status: no assertion criteria provided. Collection method: clinical testing. Allele origin: germline. Affected: yes. Study: VKGL Data-share Consensus. Not counted in ClinVar's aggregate classification.